The following is an entry in ClinVar:

ClinVar aggregate classification (germline): Uncertain significance (1 of 4 stars; one submission).

gnomAD v4.1: 1 of 1,614,084 alleles (0.000062%); highest among the groups gnomAD compares: Non-Finnish European, 0.000085%; no homozygotes.

Submission:

Labcorp Genetics (formerly Invitae), Labcorp
Classification: Uncertain significance. Last evaluated: 2021-02-14. Review status: criteria provided, single submitter. Criteria: Invitae Variant Classification Sherloc (09022015). Collection method: clinical testing. Allele origin: germline.
Comment: This variant has not been reported in the literature in individuals with TIMM50-related conditions. In summary, the available evidence is currently insufficient to determine the role of this variant in disease. Therefore, it has been classified as a Variant of Uncertain Significance. Algorithms developed to predict the effect of missense changes on protein structure and function are either unavailable or do not agree on the potential impact of this missense change (SIFT: "Not Available"; PolyPhen-2: "Probably Damaging"; Align-GVGD: "Not Available"). This variant is not present in population databases (ExAC no frequency). This sequence change replaces isoleucine with asparagine at codon 229 of the TIMM50 protein (p.Ile229Asn). The isoleucine residue is moderately conserved and there is a large physicochemical difference between isoleucine and asparagine.

NM_001001563.5(TIMM50):c.377T>A (p.Ile126Asn)

Gene: TIMM50 (translocase of inner mitochondrial membrane 50; plus strand). Cytogenetic location: 19q13.2.
Variant type: single nucleotide variant.
Coding change: c.377T>A on transcript NM_001001563.5 (MANE Select); coding-DNA position 377, T replaced by A.
Protein change: p.Ile126Asn; replaces isoleucine 126 with asparagine.
Molecular consequence: missense variant.
Genome position (GRCh38, 1-based): chr19:39,485,692, T>A. VCF-style: chr19-39485692-T-A. GRCh37 (hg19) VCF-style: chr19-39976332-T-A.
Other names: c.38T>A, p.Ile13Asn (NM_001329559.2); short protein forms I126N, I13N.
Identifiers: ClinVar variation 1372309 (VCV001372309.6), dbSNP rs371321785, ClinGen allele CA405787186.